The following is an entry in ClinVar:

ClinVar aggregate classification (germline): Uncertain significance. Review status: criteria provided, multiple submitters, no conflicts (2 of 4 stars). 2 submissions from 2 submitters: Uncertain significance (2). Last evaluated 2026-01-20.

Conditions:
Hereditary cancer-predisposing syndrome. Also called: Neoplastic Syndromes, Hereditary; Tumor predisposition; Hereditary Cancer Syndrome; Hereditary neoplastic syndrome. Identifiers: Orphanet 140162, MedGen C0027672, MeSH D009386, MONDO:0015356.
Mitochondrial complex II deficiency, nuclear type 1. Also called: SUCCINATE CoQ REDUCTASE DEFICIENCY. Identifiers: Orphanet 3208, MedGen C5700310, MONDO:0100294, OMIM 252011.
Pheochromocytoma/paraganglioma syndrome 5. Also called: Paragangliomas 5; SDHA-Related Hereditary Paraganglioma-Pheochromocytoma Syndrome. Identifiers: Orphanet 29072, MedGen C3279992, MONDO:0013602, OMIM 614165.

Submissions (2):

Labcorp Genetics (formerly Invitae), Labcorp
Classification: Uncertain significance for Pheochromocytoma/paraganglioma syndrome 5; Mitochondrial complex II deficiency, nuclear type 1. Last evaluated: 2026-01-20. Review status: criteria provided, single submitter. Criteria: Invitae Variant Classification Sherloc (09022015). Collection method: clinical testing. Allele origin: germline.
Comment: This sequence change replaces histidine, which is basic and polar, with tyrosine, which is neutral and polar, at codon 34 of the SDHA protein (p.His34Tyr). This variant is present in population databases (no rsID available, gnomAD 0.003%). This variant has not been reported in the literature in individuals affected with SDHA-related conditions. ClinVar contains an entry for this variant (Variation ID: 3438708). Invitae Evidence Modeling of protein sequence and biophysical properties (such as structural, functional, and spatial information, amino acid conservation, physicochemical variation, residue mobility, and thermodynamic stability) indicates that this missense variant is not expected to disrupt SDHA protein function with a negative predictive value of 95%. In summary, the available evidence is currently insufficient to determine the role of this variant in disease. Therefore, it has been classified as a Variant of Uncertain Significance.

Ambry Genetics
Classification: Uncertain significance for Hereditary cancer-predisposing syndrome. Last evaluated: 2024-11-01. Review status: criteria provided, single submitter. Criteria: Ambry Variant Classification Scheme 2023. Collection method: clinical testing. Allele origin: germline.
Comment: The p.H34Y variant (also known as c.100C>T), located in coding exon 2 of the SDHA gene, results from a C to T substitution at nucleotide position 100. The histidine at codon 34 is replaced by tyrosine, an amino acid with similar properties. This amino acid position is conserved. In addition, the in silico prediction for this alteration is inconclusive. Based on the available evidence, the clinical significance of this variant remains unclear.

NM_004168.4(SDHA):c.100C>T (p.His34Tyr)

Gene: SDHA (succinate dehydrogenase complex flavoprotein subunit A; plus strand). Cytogenetic location: 5p15.33.
Variant type: single nucleotide variant.
Coding change: c.100C>T on transcript NM_004168.4 (MANE Select); coding-DNA position 100, C replaced by T.
Protein change: p.His34Tyr; replaces histidine 34 with tyrosine.
Molecular consequence: missense variant.
Genome position (GRCh38, 1-based): chr5:223,518, C>T. VCF-style: chr5-223518-C-T. GRCh37 (hg19) VCF-style: chr5-223633-C-T.
Other names: c.100C>T, p.His34Tyr (NM_001294332.2, NM_001330758.2); short protein forms H34Y.
Identifiers: ClinVar variation 3438708 (VCV003438708.2).